The following is an entry in ClinVar:

NM_032578.4(MYPN):c.727A>T (p.Ser243Cys)

Gene: MYPN (myopalladin; plus strand). Cytogenetic location: 10q21.3.
Variant type: single nucleotide variant.
Coding change: c.727A>T on transcript NM_032578.4 (MANE Select); coding-DNA position 727, A replaced by T.
Protein change: p.Ser243Cys; replaces serine 243 with cysteine.
Molecular consequence: missense variant. On other transcripts: 5 prime UTR variant (1), non-coding transcript variant (1).
Genome position (GRCh38, 1-based): chr10:68,122,165, A>T. VCF-style: chr10-68122165-A-T. GRCh37 (hg19) VCF-style: chr10-69881922-A-T.
Other names: c.727A>T, p.Ser243Cys (NM_001256267.2); c.-396A>T (NM_001256268.2); short protein forms S243C.
Identifiers: ClinVar variation 3298149 (VCV003298149.1).

ClinVar aggregate classification (germline): Uncertain significance (1 of 4 stars; one submission).

Conditions:
Cardiovascular phenotype. Identifiers: MedGen CN230736.

Submission:

Ambry Genetics
Classification: Uncertain significance for Cardiovascular phenotype. Last evaluated: 2024-06-12. Review status: criteria provided, single submitter. Criteria: Ambry Variant Classification Scheme 2023. Collection method: clinical testing. Allele origin: germline.
Comment: The p.S243C variant (also known as c.727A>T), located in coding exon 1 of the MYPN gene, results from an A to T substitution at nucleotide position 727. The serine at codon 243 is replaced by cysteine, an amino acid with dissimilar properties. This amino acid position is conserved. In addition, this alteration is predicted to be tolerated by in silico analysis. Based on the available evidence, the clinical significance of this variant remains unclear.